The following is an entry in ClinVar:

ClinVar aggregate classification (germline): Pathogenic. Review status: criteria provided, multiple submitters, no conflicts (2 of 4 stars). 8 submissions from 7 submitters: Pathogenic (5). 3 of the submissions do not count toward it. Last evaluated 2025-07-23.

Conditions:
Self-limited epilepsy with centrotemporal spikes. Also called: Childhood epilepsy with centrotemporal spikes; Rolandic epilepsy. Identifiers: Orphanet 1945, MedGen C0376532, MONDO:0007295.
Developmental and epileptic encephalopathy, 74. Also called: EPILEPTIC ENCEPHALOPATHY, EARLY INFANTILE, 74. Identifiers: MedGen C5193074, MONDO:0032725, OMIM 618396.
Inborn genetic diseases. Identifiers: MedGen C0950123, MeSH D030342.
EPILEPSY, CHILDHOOD ABSENCE, SUSCEPTIBILITY TO, 2 (ECA2). Identifiers: Orphanet 64280, MedGen C1843244, OMIM 607681.
Febrile seizures, familial, 8 (FEB8). Also called: CONVULSIONS, FAMILIAL FEBRILE, 8. Identifiers: Orphanet 36387, MedGen C1969810, MONDO:0011891, OMIM 607681.
Generalized epilepsy with febrile seizures plus 3 (GEFSP3). Also called: GEFS+, TYPE 3. Identifiers: MedGen C1858674.

Submissions (8):

Labcorp Genetics (formerly Invitae), Labcorp
Classification: Pathogenic for Febrile seizures, familial, 8; EPILEPSY, CHILDHOOD ABSENCE, SUSCEPTIBILITY TO, 2. Last evaluated: 2025-07-23. Review status: criteria provided, single submitter. Criteria: Invitae Variant Classification Sherloc (09022015). Collection method: clinical testing. Allele origin: germline.
Comment: This sequence change replaces arginine, which is basic and polar, with glutamine, which is neutral and polar, at codon 323 of the GABRG2 protein (p.Arg323Gln). This variant is not present in population databases (gnomAD no frequency). This missense change has been observed in individual(s) with GABRG2-related conditions (PMID: 23708187, 27864268, 29100083, 29358611). In at least one individual the variant was observed to be de novo. ClinVar contains an entry for this variant (Variation ID: 60708). Invitae Evidence Modeling of protein sequence and biophysical properties (such as structural, functional, and spatial information, amino acid conservation, physicochemical variation, residue mobility, and thermodynamic stability) indicates that this missense variant is expected to disrupt GABRG2 protein function with a positive predictive value of 95%. Experimental studies have shown that this missense change affects GABRG2 function (PMID: 27864268). For these reasons, this variant has been classified as Pathogenic.

GeneDx
Classification: Pathogenic. Last evaluated: 2021-11-01. Review status: criteria provided, single submitter. Criteria: GeneDx Variant Classification Process June 2021. Collection method: clinical testing. Allele origin: germline. Affected: yes.
Comment: Published functional studies demonstrate impaired protein function (Reinthaler et. al., 2015; Absalom et al., 2019); This variant is associated with the following publications: (PMID: 27864268, 27334371, 29720203, 29358611, 29100083, 31139143, 25726841, 23708187, 28191890, 31087664, 30728247, 28351718, 25730860, 28714951)

CeGaT Center for Human Genetics Tuebingen
Classification: Pathogenic. Last evaluated: 2019-01-01. Review status: criteria provided, single submitter. Criteria: CeGaT Center For Human Genetics Tuebingen Variant Classification Criteria Version 2. Collection method: clinical testing. Allele origin: germline. Affected: yes. Observed: 3 variant alleles.

Ambry Genetics
Classification: Pathogenic for Inborn genetic diseases. Last evaluated: 2016-10-12. Review status: criteria provided, single submitter. Criteria: Ambry Variant Classification Scheme 2023. Collection method: clinical testing. Allele origin: germline.
Comment: The p.R323Q pathogenic mutation (also known as c.968G>A), located in coding exon 8 of the GABRG2 gene, results from a G to A substitution at nucleotide position 968. The arginine at codon 323 is replaced by glutamine, an amino acid with highly similar properties. This alteration has been determined to be the result of a de novo mutation in two patients with epileptic encephalopathies (Carvill GL et al. Nat. Genet., 2013 Jul;45:825-30; Reinthaler EM et al. Ann. Neurol., 2015 Jun;77:972-86). Electrophysiology functional studies indicate this variant results in altered GABAA-R chloride channel kinetics (Reinthaler EM et al. Ann. Neurol., 2015 Jun;77:972-86). Based on the supporting evidence, this alteration is interpreted as a disease-causing mutation.

Juno Genomics, Hangzhou Juno Genomics, Inc
Classification: Pathogenic for Developmental and epileptic encephalopathy, 74. Review status: criteria provided, single submitter. Criteria: ACMG Guidelines, 2015. Collection method: clinical testing. Allele origin: germline. Affected: yes.
Comment: Absent from controls (or at extremely low frequency if recessive) in Genome Aggregation Database, Exome Sequencing Project, 1000 Genomes Project, or Exome Aggregation Consortium.;The prevalence of the variant in affected individuals is significantly increased compared to the prevalence in controls.;Assumed de novo, but without confirmation of paternity and maternity.;Well-established in vitro or in vivo functional studies supportive of a damaging effect on the gene or gene product.;Missense variant in a gene that has a low rate of benign missense variation and where missense variants are a common mechanism of disease.

Bioinformatics Core, Luxembourg Center for Systems Biomedicine
Classification: Pathogenic for Self-limited epilepsy with centrotemporal spikes. Last evaluated: 2017-01-01. Review status: no assertion criteria provided. Collection method: case-control. Allele origin: germline. Affected: yes. Study: EUROEPINOMICS COGIE. Not counted in ClinVar's aggregate classification.

OMIM
Classification: Pathogenic for GENERALIZED EPILEPSY WITH FEBRILE SEIZURES PLUS, TYPE 3. Last evaluated: 2013-07-01. Review status: no assertion criteria provided. Collection method: literature only. Allele origin: germline. Not counted in ClinVar's aggregate classification.

OMIM
Classification: Pathogenic for DEVELOPMENTAL AND EPILEPTIC ENCEPHALOPATHY 74. Last evaluated: 2013-07-01. Review status: no assertion criteria provided. Collection method: literature only. Allele origin: germline. Not counted in ClinVar's aggregate classification.

Literature cited by the submitters: PubMed 23708187 (cited by 3 submitters); PubMed 27864268 (cited by Labcorp Genetics (formerly Invitae), Labcorp and OMIM); PubMed 29100083 (cited by Labcorp Genetics (formerly Invitae), Labcorp); PubMed 29358611 (cited by Labcorp Genetics (formerly Invitae), Labcorp and Bioinformatics Core, Luxembourg Center for Systems Biomedicine); PubMed 25726841 (cited by Ambry Genetics); PubMed 25730860 (cited by Ambry Genetics).

NM_198904.4(GABRG2):c.968G>A (p.Arg323Gln)

Gene: GABRG2 (gamma-aminobutyric acid type A receptor subunit gamma2; plus strand). Cytogenetic location: 5q34.
Variant type: single nucleotide variant.
Coding change: c.968G>A on transcript NM_198904.4 (MANE Select); coding-DNA position 968, G replaced by A.
Protein change: p.Arg323Gln; replaces arginine 323 with glutamine.
Molecular consequence: missense variant. On other transcripts: intron variant (1).
Genome position (GRCh38, 1-based): chr5:162,149,153, G>A. VCF-style: chr5-162149153-G-A. GRCh37 (hg19) VCF-style: chr5-161576159-G-A.
Other names: p.R323Q:CGG>CAG; c.968G>A, p.Arg323Gln (NM_000816.3); c.959G>A, p.Arg320Gln (NM_001375339.1); c.965G>A, p.Arg322Gln (NM_001375341.1, NM_001375342.1); c.1088G>A, p.Arg363Gln (NM_001375343.1, NM_198903.2); c.1007G>A, p.Arg336Gln (NM_001375344.1); c.902G>A, p.Arg301Gln (NM_001375345.1, NM_001375346.1); c.881G>A, p.Arg294Gln (NM_001375347.1); and 3 more; short protein forms R323Q, R363Q, R183Q, R228Q, R294Q, R301Q, R320Q, R322Q.
Identifiers: ClinVar variation 60708 (VCV000060708.61), dbSNP rs397514737, ClinGen allele CA144631.
Genomic context (GRCh38, chr5:162,149,153, plus strand): 5'-TACACCTCTCTTCAGGTATCACCACTGTCCTGACAATGACCACCCTCAGCACCATTGCCC[G>A]GAAATCGCTCCCCAAGGTCTCCTATGTCACAGCGATGGATCTCTTTGTATCTGTTTGTTT-3'
Protein context (NP_944494.1, residues 313-333): LTMTTLSTIA[Arg323Gln]KSLPKVSYVT